The following is an entry in ClinVar:

ClinVar aggregate classification (germline): Likely benign. Review status: criteria provided, multiple submitters, no conflicts (2 of 4 stars). 2 submissions from 2 submitters: Likely benign (2). Last evaluated 2024-12-04.

Conditions:
DSCAM-related disorder. Also called: DSCAM-related condition.

Allele frequency attached by ClinVar (database versions not stated): TOPMed 0.00017; 1000 Genomes Project 0.00020; gnomAD 0.00023 and 0.00025; 1000 Genomes Project 30x 0.00031; ExAC 0.00032; gnomAD exomes 0.00034.
gnomAD v4.1: 231 of 1,614,014 alleles (0.014%); highest among the groups gnomAD compares: East Asian, 0.39%; no homozygotes.

Submissions (2):

PreventionGenetics, part of Exact Sciences
Classification: Likely benign for DSCAM-related condition. Last evaluated: 2024-12-04. Review status: criteria provided, single submitter. Criteria: ACMG Guidelines, 2015. Collection method: clinical testing. Allele origin: germline.
Comment: This variant is classified as likely benign based on ACMG/AMP sequence variant interpretation guidelines (Richards et al. 2015 PMID: 25741868, with internal and published modifications).

Labcorp Genetics (formerly Invitae), Labcorp
Classification: Likely benign. Last evaluated: 2018-05-07. Review status: criteria provided, single submitter. Criteria: Invitae Variant Classification Sherloc (09022015). Collection method: clinical testing. Allele origin: germline.

NM_001389.5(DSCAM):c.3775G>A (p.Val1259Ile)

Gene: DSCAM (DS cell adhesion molecule; minus strand). Cytogenetic location: 21q22.2.
Variant type: single nucleotide variant.
Coding change: c.3775G>A on transcript NM_001389.5 (MANE Select); coding-DNA position 3775, G replaced by A.
Protein change: p.Val1259Ile; replaces valine 1259 with isoleucine.
Molecular consequence: missense variant. On other transcripts: non-coding transcript variant (1).
Genome position (GRCh38, 1-based): chr21:40,093,796, C>T on the plus strand (G>A on the coding strand, the complement: DSCAM is on the minus strand). VCF-style: chr21-40093796-C-T. GRCh37 (hg19) VCF-style: chr21-41465723-C-T.
Other names: c.3775G>A, p.Val1259Ile (NM_001271534.3); short protein forms V1259I.
Identifiers: ClinVar variation 742931 (VCV000742931.4), dbSNP rs549482375, ClinGen allele CA10030839.